The following is an entry in ClinVar:

NM_024075.5(TSEN34):c.-4-66G>A

Gene: TSEN34 (tRNA splicing endonuclease subunit 34; plus strand). Cytogenetic location: 19q13.42.
Variant type: single nucleotide variant.
Coding change: c.-4-66G>A on transcript NM_024075.5; 66 bases into the intron before 4 bases upstream of the start codon, G replaced by A.
Molecular consequence: intron variant.
Genome position (GRCh38, 1-based): chr19:54,191,295, G>A. VCF-style: chr19-54191295-G-A. GRCh37 (hg19) VCF-style: chr19-54695146-G-A.
Other names: c.-4-66G>A (NM_001386740.1, NM_001282333.2, NM_001282332.2).
Identifiers: ClinVar variation 679020 (VCV000679020.3), dbSNP rs532178295, ClinGen allele CA309372490.
Genomic context (GRCh38, chr19:54,191,295, plus strand): 5'-AGCGAGGCCCCGCCCCCTGAGGCCTAGGGGCGGGGCTTCGCCGAGACCCCGGAGGCTTTG[G>A]GTGCGCTGCAGCGGTCCGCGGCGCGCAGCTGTTTCGGTAACTGCTTTGCCTCCCGGCTCC-3'

ClinVar aggregate classification (germline): Likely benign (1 of 4 stars; one submission).

Allele frequency attached by ClinVar (database versions not stated): gnomAD 0.00248 and 0.00257; TOPMed 0.00057; gnomAD exomes 0.00140; 1000 Genomes Project 30x 0.00203; 1000 Genomes Project 0.00220.
gnomAD v4.1: 2,307 of 1,544,452 alleles (0.15%); highest among the groups gnomAD compares: South Asian, 0.51%; 20 homozygotes.

Submission:

GeneDx
Classification: Likely benign. Last evaluated: 2018-06-16. Review status: criteria provided, single submitter. Criteria: GeneDx Variant Classification (06012015). Collection method: clinical testing. Allele origin: germline. Affected: yes.
Comment: This variant is considered likely benign or benign based on one or more of the following criteria: it is a conservative change, it occurs at a poorly conserved position in the protein, it is predicted to be benign by multiple in silico algorithms, and/or has population frequency not consistent with disease.